The following is an entry in ClinVar:

NM_005732.4(RAD50):c.3838T>C (p.Ser1280Pro)

Genes: RAD50 (RAD50 double strand break repair protein; plus strand), TH2LCRR (T helper type 2 locus control region associated RNA; minus strand). Cytogenetic location: 5q31.1.
Variant type: single nucleotide variant.
Coding change: c.3838T>C on transcript NM_005732.4 (MANE Select); coding-DNA position 3838, T replaced by C.
Protein change: p.Ser1280Pro; replaces serine 1280 with proline.
Molecular consequence: missense variant. On other transcripts: non-coding transcript variant (1).
Genome position (GRCh38, 1-based): chr5:132,642,263, T>C. VCF-style: chr5-132642263-T-C. GRCh37 (hg19) VCF-style: chr5-131977955-T-C.
Other names: short protein forms S1280P.
Identifiers: ClinVar variation 841883 (VCV000841883.11), dbSNP rs1751741883, ClinGen allele CA360936794.
Genomic context (GRCh38, chr5:132,642,263, plus strand): 5'-CGTAACTTCCAGCTTCTGGTAATCACTCATGATGAAGATTTTGTGGAGCTTTTAGGACGT[T>C]CTGAATATGTGGAGAAATTCTACAGGATTAAAAAGAACATCGATCAGTGCTCAGAGATTG-3'
Protein context (NP_005723.2, residues 1270-1290): DEDFVELLGR[Ser1280Pro]EYVEKFYRIK

ClinVar aggregate classification (germline): Uncertain significance. Review status: criteria provided, multiple submitters, no conflicts (2 of 4 stars). 2 submissions from 2 submitters: Uncertain significance (2). Last evaluated 2023-05-16.

Conditions:
Nijmegen breakage syndrome-like disorder (NBSLD). Also called: MICROCEPHALY AND SPONTANEOUS CHROMOSOME INSTABILITY WITHOUT IMMUNODEFICIENCY; NBS-LIKE DISORDER; RAD50 DEFICIENCY. Identifiers: Orphanet 240760, MedGen C2751318, MONDO:0013118, OMIM 613078.
Hereditary cancer-predisposing syndrome. Also called: Hereditary Cancer Syndrome; Hereditary neoplastic syndrome; Tumor predisposition; Neoplastic Syndromes, Hereditary. Identifiers: Orphanet 140162, MedGen C0027672, MeSH D009386, MONDO:0015356.

Submissions (2):

Baylor Genetics
Classification: Uncertain significance for Nijmegen breakage syndrome-like disorder. Last evaluated: 2023-05-16. Review status: criteria provided, single submitter. Criteria: ACMG Guidelines, 2015. Collection method: clinical testing. Allele origin: unknown.

Labcorp Genetics (formerly Invitae), Labcorp
Classification: Uncertain significance for Hereditary cancer-predisposing syndrome. Last evaluated: 2019-05-23. Review status: criteria provided, single submitter. Criteria: Invitae Variant Classification Sherloc (09022015). Collection method: clinical testing. Allele origin: germline.
Comment: In summary, the available evidence is currently insufficient to determine the role of this variant in disease. Therefore, it has been classified as a Variant of Uncertain Significance. This sequence change replaces serine with proline at codon 1280 of the RAD50 protein (p.Ser1280Pro). The serine residue is moderately conserved and there is a moderate physicochemical difference between serine and proline. This variant is not present in population databases (ExAC no frequency). This variant has not been reported in the literature in individuals with RAD50-related conditions. Algorithms developed to predict the effect of missense changes on protein structure and function are either unavailable or do not agree on the potential impact of this missense change (SIFT: "Deleterious"; PolyPhen-2: "Probably Damaging"; Align-GVGD: "Class C0").